The following is an entry in ClinVar:

ClinVar aggregate classification (germline): Uncertain significance (1 of 4 stars; one submission).

Allele frequency attached by ClinVar (database versions not stated): gnomAD exomes below 0.00001.
gnomAD v4.1: 1 of 1,529,972 alleles (0.000065%); highest among the groups gnomAD compares: Non-Finnish European, 0.000088%; no homozygotes.

Submission:

CeGaT Center for Human Genetics Tuebingen
Classification: Uncertain significance. Last evaluated: 2023-06-01. Review status: criteria provided, single submitter. Criteria: CeGaT Center For Human Genetics Tuebingen Variant Classification Criteria Version 2. Collection method: clinical testing. Allele origin: germline. Affected: yes. Observed: 1 variant allele.
Comment: MEGF8: PM2

NM_001271938.2(MEGF8):c.2269A>G (p.Met757Val)

Gene: MEGF8 (multiple EGF like domains 8; plus strand). Cytogenetic location: 19q13.2.
Variant type: single nucleotide variant.
Coding change: c.2269A>G on transcript NM_001271938.2 (MANE Select); coding-DNA position 2269, A replaced by G.
Protein change: p.Met757Val; replaces methionine 757 with valine.
Molecular consequence: missense variant. On other transcripts: intron variant (1).
Genome position (GRCh38, 1-based): chr19:42,348,443, A>G. VCF-style: chr19-42348443-A-G. GRCh37 (hg19) VCF-style: chr19-42852595-A-G.
Other names: c.2098-1056A>G (NM_001410.3); short protein forms M757V.
Identifiers: ClinVar variation 2650027 (VCV002650027.24), dbSNP rs2039321320, ClinGen allele CA406095382.
Genomic context (GRCh38, chr19:42,348,443, plus strand): 5'-CCAGGGGCTGAGGACGTGGCCGTGTGGACGCGGGCCCAGCGCCTACACGTCCTGGCCCGG[A>G]TGGCCCGTGGCCCTGACACGGAGAACATGGTGAGGCCGCCTGGGACATTCAGGGGGTTGT-3'
Protein context (NP_001258867.1, residues 747-767): RAQRLHVLAR[Met757Val]ARGPDTENME